The following is an entry in ClinVar:

ClinVar aggregate classification (germline): Pathogenic (1 of 4 stars; one submission).

Conditions:
Mucopolysaccharidosis, MPS-III-B (MPS3B). Also called: MUCOPOLYSACCHARIDOSIS, TYPE IIIB; N-ACETYL-ALPHA-D-GLUCOSAMINIDASE DEFICIENCY; NAGLU DEFICIENCY; SANFILIPPO SYNDROME B; MPS III B; Mucopolysaccharidosis type IIIB (Sanfilippo B). Identifiers: Orphanet 79270, MedGen C0086648, MONDO:0009656, OMIM 252920.
Charcot-Marie-Tooth disease axonal type 2V. Also called: CHARCOT-MARIE-TOOTH NEUROPATHY, TYPE 2V; CHARCOT-MARIE-TOOTH DISEASE, AXONAL, AUTOSOMAL DOMINANT, TYPE 2V. Identifiers: Orphanet 447964, MedGen C5569050, MONDO:0014665, OMIM 616491.

Submission:

Labcorp Genetics (formerly Invitae), Labcorp
Classification: Pathogenic for Charcot-Marie-Tooth disease axonal type 2V; Mucopolysaccharidosis, MPS-III-B. Last evaluated: 2022-06-13. Review status: criteria provided, single submitter. Criteria: Invitae Variant Classification Sherloc (09022015). Collection method: clinical testing. Allele origin: germline.
Comment: For these reasons, this variant has been classified as Pathogenic. ClinVar contains an entry for this variant (Variation ID: 937662). This variant is also known as 901delAA. This premature translational stop signal has been observed in individual(s) with mucopolysaccharidosis IIIB (PMID: 9443878). This variant is not present in population databases (gnomAD no frequency). This sequence change creates a premature translational stop signal (p.Lys301Argfs*15) in the NAGLU gene. It is expected to result in an absent or disrupted protein product. Loss-of-function variants in NAGLU are known to be pathogenic (PMID: 9832037, 10094189, 16151907).

Literature cited by the submitters: PubMed 9443878; PubMed 9832037; PubMed 10094189; PubMed 16151907.

NM_000263.4(NAGLU):c.902_903del (p.Lys301fs)

Gene: NAGLU (N-acetyl-alpha-glucosaminidase; plus strand). Cytogenetic location: 17q21.2.
Variant type: Deletion.
Coding change: c.902_903del on transcript NM_000263.4 (MANE Select); coding-DNA positions 902 to 903, 2 bases deleted (AA; older notation c.902_903delAA).
Protein change: p.Lys301fs; shifts the reading frame from lysine 301.
Molecular consequence: frameshift variant.
Genome position (GRCh38, 1-based): chr17:42,541,087-42,541,088, AA deleted; deleting any 2 consecutive bases within chr17:42,541,086-42,541,088 gives the same sequence; the c. name uses the placement nearest the transcript's 3' end. VCF-style (leftmost placement, unchanged base first): chr17-42541085-CAA-C. GRCh37 (hg19) VCF-style: chr17-40693103-CAA-C.
Other names: short protein forms K301fs.
Identifiers: ClinVar variation 937662 (VCV000937662.9), dbSNP rs2092920511, ClinGen allele CA1139665540.
Genomic context (GRCh38, chr17:42,541,085, plus strand): 5'-TCTGGCTCCGGAAGACCCCATATTCCCCATCATCGGGAGCCTCTTCCTGCGAGAGCTGAT[CAA>C]AGAGTTTGGCACAGACCACATCTATGGGGCCGACACTTTCAATGAGATGCAGCCACCTTC-3'